The following is an entry in ClinVar:

ClinVar aggregate classification (germline): Uncertain significance (1 of 4 stars; one submission).

Conditions:
Hereditary cancer-predisposing syndrome. Also called: Neoplastic Syndromes, Hereditary; Tumor predisposition; Hereditary Cancer Syndrome; Hereditary neoplastic syndrome. Identifiers: Orphanet 140162, MedGen C0027672, MeSH D009386, MONDO:0015356.

Submissions (2):

Ambry Genetics
Classification: Uncertain significance for Hereditary cancer-predisposing syndrome. Last evaluated: 2026-08-29. Review status: criteria provided, single submitter. Criteria: Ambry Variant Classification Scheme 2023. Collection method: clinical testing. Allele origin: germline.
Comment: The p.A612E variant (also known as c.1835C>A), located in coding exon 14 of the APC gene, results from a C to A substitution at nucleotide position 1835. The alanine at codon 612 is replaced by glutamic acid, an amino acid with dissimilar properties. This amino acid position is conserved. In addition, in silico predictors for this gene do not accurately predict pathogenicity. Based on the available evidence, the clinical significance of this variant remains unclear.

Dr. Peter K. Rogan Lab, Western University
No classification provided (evidence only). Condition: Ovarian serous cystadenocarcinoma. Review status: no classification provided. Collection method: in vitro. Allele origin: not applicable. Functional consequence: retained intron. Not counted in ClinVar's aggregate classification.

NM_000038.6(APC):c.1835C>A (p.Ala612Glu)

Gene: APC (APC regulator of Wnt signaling pathway; plus strand). Cytogenetic location: 5q22.2.
Variant type: single nucleotide variant.
Coding change: c.1835C>A on transcript NM_000038.6 (MANE Select); coding-DNA position 1835, C replaced by A.
Protein change: p.Ala612Glu; replaces alanine 612 with glutamic acid.
Molecular consequence: missense variant. On other transcripts: non-coding transcript variant (2).
Genome position (GRCh38, 1-based): chr5:112,835,042, C>A. VCF-style: chr5-112835042-C-A. GRCh37 (hg19) VCF-style: chr5-112170739-C-A.
Other names: NC_000005.9:g.112170739C>A; c.1835C>A, p.Ala612Glu (NM_001127510.3, NM_001354895.2, NM_001407450.1); c.1781C>A, p.Ala594Glu (NM_001127511.3); c.1889C>A, p.Ala630Glu (NM_001354896.2, NM_001407447.1, NM_001407448.1 and 1 more transcripts); c.1865C>A, p.Ala622Glu (NM_001354897.2); c.1814C>A, p.Ala605Glu (NM_001407451.1); c.1805C>A, p.Ala602Glu (NM_001407452.1); c.1658C>A, p.Ala553Glu (NM_001407453.1, NM_001354901.2); and 13 more; short protein forms A329E, A571E, A584E, A594E, A228E, A486E, A511E, A587E.
Identifiers: ClinVar variation 4309917 (VCV004309917.2).